The following is an entry in ClinVar:

ClinVar aggregate classification (germline): Likely benign (0 of 4 stars; one submission).

Conditions:
GPBAR1-related disorder. Also called: GPBAR1-related condition.

Allele frequency attached by ClinVar (database versions not stated): gnomAD 0.00002; gnomAD exomes 0.00002; ExAC 0.00003; TOPMed 0.00005.
gnomAD v4.1: 35 of 1,612,896 alleles (0.0022%); highest among the groups gnomAD compares: East Asian, 0.033%; 1 homozygote.

Submission:

PreventionGenetics, part of Exact Sciences
Classification: Likely benign for GPBAR1-related condition. Last evaluated: 2023-11-11. Review status: no assertion criteria provided. Collection method: clinical testing. Allele origin: germline.
Comment: This variant is classified as likely benign based on ACMG/AMP sequence variant interpretation guidelines (Richards et al. 2015 PMID: 25741868, with internal and published modifications).

NM_170699.3(GPBAR1):c.*9C>T

Gene: GPBAR1 (G protein-coupled bile acid receptor 1; plus strand). Cytogenetic location: 2q35.
Variant type: single nucleotide variant.
Coding change: c.*9C>T on transcript NM_170699.3 (MANE Select); 9 bases downstream of the stop codon, C replaced by T.
Molecular consequence: 3 prime UTR variant.
Genome position (GRCh38, 1-based): chr2:218,263,726, C>T. VCF-style: chr2-218263726-C-T. GRCh37 (hg19) VCF-style: chr2-219128449-C-T.
Other names: c.*9C>T (NM_001077191.2, NM_001077194.2, NM_001321950.2).
Identifiers: ClinVar variation 3044272 (VCV003044272.2), dbSNP rs749450128, ClinGen allele CA2102748.